The following is an entry in ClinVar:

ClinVar aggregate classification (germline): Uncertain significance (1 of 4 stars; one submission).

Conditions:
Atypical hemolytic-uremic syndrome. Identifiers: Orphanet 2134, MedGen C2931788, MONDO:0016244.

Submission:

Genomenon, Inc
Classification: Uncertain significance for Atypical hemolytic-uremic syndrome. Last evaluated: 2025-10-02. Review status: criteria provided, single submitter. Criteria: Genomenon Sequence Variant Interpretation Standards. Collection method: curation. Allele origin: germline. Affected: no.
Comment: CD46 p.Glu158Ala (c.473A>C) is a missense variant that changes the amino acid at residue 158 from Glutamic acid to Alanine. This variant has been reported in the published literature (PMID:26357573). It is absent or not present at a significant frequency in gnomAD. In silico models agree that this variant is not damaging. In conclusion, we classify CD46 p.Glu158Ala (c.473A>C) as a variant of uncertain significance.

Literature cited by the submitters: PubMed 26357573.

NM_172351.3(CD46):c.473A>C (p.Glu158Ala)

Gene: CD46 (CD46 molecule; plus strand). Cytogenetic location: 1q32.2.
Variant type: single nucleotide variant.
Coding change: c.473A>C on transcript NM_172351.3 (MANE Select); coding-DNA position 473, A replaced by C.
Protein change: p.Glu158Ala; replaces glutamic acid 158 with alanine.
Molecular consequence: missense variant.
Genome position (GRCh38, 1-based): chr1:207,759,722, A>C. VCF-style: chr1-207759722-A-C. GRCh37 (hg19) VCF-style: chr1-207933067-A-C.
Other names: c.473A>C, p.Glu158Ala (NM_002389.4, NM_153826.4, NM_172350.3 and 8 more transcripts); short protein forms E158A.
Identifiers: ClinVar variation 4291278 (VCV004291278.1).